The following is an entry in ClinVar:

ClinVar aggregate classification (germline): Uncertain significance (1 of 4 stars; one submission).

Allele frequency attached by ClinVar (database versions not stated): TOPMed 0.00004; gnomAD 0.00007 and 0.00008; gnomAD exomes 0.00007 and 0.00009; ESP Exome Variant Server 0.00008; ExAC 0.00009.
gnomAD v4.1: 138 of 1,582,620 alleles (0.0087%); highest among the groups gnomAD compares: Non-Finnish European, 0.011%; no homozygotes.

Submission:

GeneDx
Classification: Uncertain significance. Last evaluated: 2022-03-02. Review status: criteria provided, single submitter. Criteria: GeneDx Variant Classification Process June 2021. Collection method: clinical testing. Allele origin: germline. Affected: yes.
Comment: Reported in an individual with DCM; however, clinical details were not provided (Mazzarotto et al., 2020); In silico analysis supports that this missense variant does not alter protein structure/function; This variant is associated with the following publications: (PMID: 31983221)

NM_001018116.2(CAVIN4):c.779C>G (p.Ser260Cys)

Gene: CAVIN4 (caveolae associated protein 4; plus strand). Cytogenetic location: 9q31.1.
Variant type: single nucleotide variant.
Coding change: c.779C>G on transcript NM_001018116.2 (MANE Select); coding-DNA position 779, C replaced by G.
Protein change: p.Ser260Cys; replaces serine 260 with cysteine.
Molecular consequence: missense variant.
Genome position (GRCh38, 1-based): chr9:100,586,135, C>G. VCF-style: chr9-100586135-C-G. GRCh37 (hg19) VCF-style: chr9-103348417-C-G.
Other names: short protein forms S260C.
Identifiers: ClinVar variation 1526392 (VCV001526392.2), dbSNP rs149770384, ClinGen allele CA5160159.